The following is an entry in ClinVar:

ClinVar aggregate classification (germline): Likely benign (1 of 4 stars; one submission).

Submission:

GeneDx
Classification: Likely benign. Last evaluated: 2016-12-30. Review status: criteria provided, single submitter. Criteria: GeneDx Variant Classification (06012015). Collection method: clinical testing. Allele origin: germline. Affected: yes.
Comment: This variant is considered likely benign or benign based on one or more of the following criteria: it is a conservative change, it occurs at a poorly conserved position in the protein, it is predicted to be benign by multiple in silico algorithms, and/or has population frequency not consistent with disease.

NM_013352.4(DSE):c.2547C>T (p.Pro849=)

Gene: DSE (dermatan sulfate epimerase; plus strand). Cytogenetic location: 6q22.1.
Variant type: single nucleotide variant.
Coding change: c.2547C>T on transcript NM_013352.4 (MANE Select); coding-DNA position 2547, C replaced by T.
Protein change: p.Pro849=; no amino-acid change (proline 849 retained).
Molecular consequence: synonymous variant. On other transcripts: 3 prime UTR variant (2), non-coding transcript variant (1).
Genome position (GRCh38, 1-based): chr6:116,437,015, C>T. VCF-style: chr6-116437015-C-T. GRCh37 (hg19) VCF-style: chr6-116758178-C-T.
Other names: c.2547C>T, p.Pro849= (NM_001080976.3, NM_001322937.2, NM_001322938.2); c.2604C>T, p.Pro868= (NM_001322939.2); c.1986C>T, p.Pro662= (NM_001322940.2, NM_001322941.2); c.*1412C>T (NM_001322943.2, NM_001322944.2); c.1548C>T, p.Pro516= (NM_001374520.1); c.1512C>T, p.Pro504= (NM_001374521.1).
Identifiers: ClinVar variation 392237 (VCV000392237.1), dbSNP rs1057524403, ClinGen allele CA16605445.
Genomic context (GRCh38, chr6:116,437,015, plus strand): 5'-TGAAGTCAATGAGAAAAAGATTAGACAGAAAGCTCAGATTTTGGCACAGAAAGAACTACC[C>T]ATAGATGAAGATGAAGAAATGAAAGACCTTTTAGATTTTGCAGATGTAACATACGAGAAA-3'
Protein context (NP_037484.1, residues 839-859): KAQILAQKEL[Pro849=]IDEDEEMKDL